The following is an entry in ClinVar:

ClinVar aggregate classification (germline): Likely pathogenic (1 of 4 stars; one submission).

Submission:

Labcorp Genetics (formerly Invitae), Labcorp
Classification: Likely pathogenic. Last evaluated: 2025-10-16. Review status: criteria provided, single submitter. Criteria: Invitae Variant Classification Sherloc (09022015). Collection method: clinical testing. Allele origin: germline.
Comment: This sequence change replaces lysine, which is basic and polar, with asparagine, which is neutral and polar, at codon 862 of the WFS1 protein (p.Lys862Asn). This variant is not present in population databases (gnomAD no frequency). This missense change has been observed in individual(s) with clinical features of autosomal dominant Wolfram-like syndrome (internal data). In at least one individual the variant was observed to be de novo. ClinVar contains an entry for this variant (Variation ID: 1523010). Invitae Evidence Modeling of protein sequence and biophysical properties (such as structural, functional, and spatial information, amino acid conservation, physicochemical variation, residue mobility, and thermodynamic stability) has been performed for this missense variant. However, the output from this modeling did not meet the statistical confidence thresholds required to predict the impact of this variant on WFS1 protein function. In summary, the currently available evidence indicates that the variant is pathogenic, but additional data are needed to prove that conclusively. Therefore, this variant has been classified as Likely Pathogenic.

NM_006005.3(WFS1):c.2586G>T (p.Lys862Asn)

Gene: WFS1 (wolframin ER transmembrane glycoprotein; plus strand). Cytogenetic location: 4p16.1.
Variant type: single nucleotide variant.
Coding change: c.2586G>T on transcript NM_006005.3 (MANE Select); coding-DNA position 2586, G replaced by T.
Protein change: p.Lys862Asn; replaces lysine 862 with asparagine.
Molecular consequence: missense variant.
Genome position (GRCh38, 1-based): chr4:6,302,381, G>T. VCF-style: chr4-6302381-G-T. GRCh37 (hg19) VCF-style: chr4-6304108-G-T.
Other names: c.2586G>T, p.Lys862Asn (NM_001145853.1); short protein forms K862N.
Identifiers: ClinVar variation 1523010 (VCV001523010.8), dbSNP rs373825245, ClinGen allele CA356179325.